The following is an entry in ClinVar:

NM_003072.5(SMARCA4):c.4862G>A (p.Arg1621Gln)

Gene: SMARCA4 (SWI/SNF related BAF chromatin remodeling complex subunit ATPase 4; plus strand). Cytogenetic location: 19p13.2.
Variant type: single nucleotide variant.
Coding change: c.4862G>A on transcript NM_003072.5 (MANE Select); coding-DNA position 4862, G replaced by A.
Protein change: p.Arg1621Gln; replaces arginine 1621 with glutamine.
Molecular consequence: missense variant. On other transcripts: non-coding transcript variant (1).
Genome position (GRCh38, 1-based): chr19:11,060,138, G>A. VCF-style: chr19-11060138-G-A. GRCh37 (hg19) VCF-style: chr19-11170814-G-A.
Other names: c.4862G>A, p.Arg1621Gln (NM_001128844.3); c.4772G>A, p.Arg1591Gln (NM_001128845.2); c.4769G>A, p.Arg1590Gln (NM_001128846.2); c.4763G>A, p.Arg1588Gln (NM_001128847.4, NM_001374457.1); c.4760G>A, p.Arg1587Gln (NM_001128848.2); c.4958G>A, p.Arg1653Gln (NM_001128849.3, NM_001387283.1); short protein forms R1653Q, R1588Q, R1621Q, R1590Q, R1587Q, R1591Q.
Identifiers: ClinVar variation 571088 (VCV000571088.18), dbSNP rs964459864, ClinGen allele CA305298965.

ClinVar aggregate classification (germline): Conflicting classifications of pathogenicity. Review status: criteria provided, conflicting classifications (1 of 4 stars). 5 submissions from 5 submitters: Uncertain significance (3); Likely benign (1). 1 of the submissions does not count toward it. Last evaluated 2025-10-15.

Conditions:
SMARCA4-related disorder. Also called: SMARCA4-related condition.
Intellectual disability, autosomal dominant 16 (CSS4). Also called: COFFIN-SIRIS SYNDROME 4. Identifiers: Orphanet 1465, MedGen C3553249, MONDO:0013821, OMIM 614609.
Rhabdoid tumor predisposition syndrome 2 (RTPS2). Identifiers: Orphanet 231108, Orphanet 69077, MedGen C2750074, MONDO:0013224, OMIM 613325.
Hereditary cancer-predisposing syndrome. Also called: Hereditary neoplastic syndrome; Tumor predisposition; Neoplastic Syndromes, Hereditary; Hereditary Cancer Syndrome. Identifiers: Orphanet 140162, MedGen C0027672, MeSH D009386, MONDO:0015356.

Allele frequency attached by ClinVar (database versions not stated): gnomAD 0.00001; TOPMed 0.00001.

Submissions (5):

Labcorp Genetics (formerly Invitae), Labcorp
Classification: Uncertain significance for Rhabdoid tumor predisposition syndrome 2. Last evaluated: 2025-10-15. Review status: criteria provided, single submitter. Criteria: Invitae Variant Classification Sherloc (09022015). Collection method: clinical testing. Allele origin: germline.
Comment: This sequence change replaces arginine, which is basic and polar, with glutamine, which is neutral and polar, at codon 1653 of the SMARCA4 protein (p.Arg1653Gln). The frequency data for this variant in the population databases is considered unreliable, as metrics indicate poor data quality at this position in the gnomAD database. This variant has not been reported in the literature in individuals affected with SMARCA4-related conditions. ClinVar contains an entry for this variant (Variation ID: 571088). Invitae Evidence Modeling of protein sequence and biophysical properties (such as structural, functional, and spatial information, amino acid conservation, physicochemical variation, residue mobility, and thermodynamic stability) indicates that this missense variant is not expected to disrupt SMARCA4 protein function with a negative predictive value of 95%. In summary, the available evidence is currently insufficient to determine the role of this variant in disease. Therefore, it has been classified as a Variant of Uncertain Significance.

Ambry Genetics
Classification: Likely benign for Hereditary cancer-predisposing syndrome. Last evaluated: 2025-08-06. Review status: criteria provided, single submitter. Criteria: Ambry Variant Classification Scheme 2023. Collection method: clinical testing. Allele origin: germline.

Women's Health and Genetics/Laboratory Corporation of America, LabCorp
Classification: Uncertain significance. Last evaluated: 2024-08-21. Review status: criteria provided, single submitter. Criteria: LabCorp Variant Classification Summary - May 2015. Collection method: clinical testing. Allele origin: germline.
Comment: Variant summary: SMARCA4 c.4958G>A (p.Arg1653Gln) results in a conservative amino acid change in the encoded protein sequence. Four of five in-silico tools predict a benign effect of the variant on protein function. The frequency data for this variant in gnomAD is considered unreliable, as metrics indicate poor data quality at this position. To our knowledge, no occurrence of c.4958G>A in individuals affected with Coffin-Siris Syndrome and no experimental evidence demonstrating its impact on protein function have been reported. ClinVar contains an entry for this variant (Variation ID: 571088). Based on the evidence outlined above, the variant was classified as uncertain significance.

Genome-Nilou Lab
Classification: Uncertain significance for Intellectual disability, autosomal dominant 16. Last evaluated: 2021-07-15. Review status: criteria provided, single submitter. Criteria: ACMG Guidelines, 2015. Collection method: clinical testing. Allele origin: germline. Affected: no.

PreventionGenetics, part of Exact Sciences
Classification: Uncertain significance for SMARCA4-related condition. Last evaluated: 2024-07-01. Review status: no assertion criteria provided. Collection method: clinical testing. Allele origin: germline. Not counted in ClinVar's aggregate classification.
Comment: The SMARCA4 c.4958G>A variant is predicted to result in the amino acid substitution p.Arg1653Gln. To our knowledge, this variant has not been reported in the literature or in a large population database, indicating this variant is rare. This variant is interpreted as a variant of uncertain significance in ClinVar. At this time, the clinical significance of this variant is uncertain due to the absence of conclusive functional and genetic evidence.